The following is an entry in ClinVar:

NM_001164508.2(NEB):c.17367G>C (p.Trp5789Cys)

Gene: NEB (nebulin; minus strand). Cytogenetic location: 2q23.3.
Variant type: single nucleotide variant.
Coding change: c.17367G>C on transcript NM_001164508.2 (MANE Select); coding-DNA position 17367, G replaced by C.
Protein change: p.Trp5789Cys; replaces tryptophan 5789 with cysteine.
Molecular consequence: missense variant.
Genome position (GRCh38, 1-based): chr2:151,570,144, C>G on the plus strand (G>C on the coding strand, the complement: NEB is on the minus strand). VCF-style: chr2-151570144-C-G. GRCh37 (hg19) VCF-style: chr2-152426658-C-G.
Other names: c.17367G>C, p.Trp5789Cys (NM_001164507.2, NM_001271208.2); c.12264G>C, p.Trp4088Cys (NM_004543.5); short protein forms W5789C, W4088C.
Identifiers: ClinVar variation 2144258 (VCV002144258.4), dbSNP rs2552195825, ClinGen allele CA348807515.

ClinVar aggregate classification (germline): Uncertain significance (1 of 4 stars; one submission).

Conditions:
Nemaline myopathy 2 (NEM2). Also called: Nemaline myopathy 2, autosomal recessive. Identifiers: MedGen C1850569, MONDO:0009725, OMIM 256030.

Submission:

Labcorp Genetics (formerly Invitae), Labcorp
Classification: Uncertain significance for Nemaline myopathy 2. Last evaluated: 2022-05-04. Review status: criteria provided, single submitter. Criteria: Invitae Variant Classification Sherloc (09022015). Collection method: clinical testing. Allele origin: germline.
Comment: This variant has not been reported in the literature in individuals affected with NEB-related conditions. Algorithms developed to predict the effect of missense changes on protein structure and function are either unavailable or do not agree on the potential impact of this missense change (SIFT: "Deleterious"; PolyPhen-2: "Not Available"; Align-GVGD: "Class C0"). In summary, the available evidence is currently insufficient to determine the role of this variant in disease. Therefore, it has been classified as a Variant of Uncertain Significance. This variant is not present in population databases (gnomAD no frequency). This sequence change replaces tryptophan, which is neutral and slightly polar, with cysteine, which is neutral and slightly polar, at codon 5789 of the NEB protein (p.Trp5789Cys).